The following is an entry in ClinVar:

NM_001378452.1(ITPR1):c.1867C>T (p.Arg623Ter)

Gene: ITPR1 (inositol 1,4,5-trisphosphate receptor type 1; plus strand). Cytogenetic location: 3p26.1.
Variant type: single nucleotide variant.
Coding change: c.1867C>T on transcript NM_001378452.1 (MANE Select); coding-DNA position 1867, C replaced by T.
Protein change: p.Arg623Ter; replaces arginine 623 with a stop codon.
Molecular consequence: nonsense.
Genome position (GRCh38, 1-based): chr3:4,667,530, C>T. VCF-style: chr3-4667530-C-T. GRCh37 (hg19) VCF-style: chr3-4709214-C-T.
Other names: c.1867C>T, p.Arg623Ter (NM_001099952.4); c.1822C>T, p.Arg608Ter (NM_001168272.2, NM_002222.7); short protein forms R608*, R623*.
Identifiers: ClinVar variation 1935236 (VCV001935236.5), dbSNP rs374124279, ClinGen allele CA351643214.

ClinVar aggregate classification (germline): Pathogenic (1 of 4 stars; one submission).

gnomAD v4.1: 1 of 1,612,988 alleles (0.000062%); highest among the groups gnomAD compares: Non-Finnish European, 0.000085%; no homozygotes.

Submission:

Labcorp Genetics (formerly Invitae), Labcorp
Classification: Pathogenic. Last evaluated: 2022-09-19. Review status: criteria provided, single submitter. Criteria: Invitae Variant Classification Sherloc (09022015). Collection method: clinical testing. Allele origin: germline.
Comment: For these reasons, this variant has been classified as Pathogenic. This variant has not been reported in the literature in individuals affected with ITPR1-related conditions. This sequence change creates a premature translational stop signal (p.Arg608*) in the ITPR1 gene. It is expected to result in an absent or disrupted protein product. Loss-of-function variants in ITPR1 are known to be pathogenic (PMID: 27108797). This variant is not present in population databases (gnomAD no frequency).

Literature cited by the submitters: PubMed 27108797.